The following is an entry in ClinVar:

ClinVar aggregate classification (germline): Uncertain significance (1 of 4 stars; one submission).

gnomAD v4.1: 1 of 1,614,112 alleles (0.000062%); highest among the groups gnomAD compares: Non-Finnish European, 0.000085%; no homozygotes.

Submission:

Mayo Clinic Laboratories, Mayo Clinic
Classification: Uncertain significance. Last evaluated: 2023-12-18. Review status: criteria provided, single submitter. Criteria: ACMG Guidelines, 2015. Collection method: clinical testing. Allele origin: germline. Observed: 1 variant allele.
Comment: PP3, PM2_moderate

NM_024312.5(GNPTAB):c.2657A>G (p.Asp886Gly)

Gene: GNPTAB (N-acetylglucosamine-1-phosphate transferase subunits alpha and beta; minus strand). Cytogenetic location: 12q23.2.
Variant type: single nucleotide variant.
Coding change: c.2657A>G on transcript NM_024312.5 (MANE Select); coding-DNA position 2657, A replaced by G.
Protein change: p.Asp886Gly; replaces aspartic acid 886 with glycine.
Molecular consequence: missense variant.
Genome position (GRCh38, 1-based): chr12:101,764,260, T>C on the plus strand (A>G on the coding strand, the complement: GNPTAB is on the minus strand). VCF-style: chr12-101764260-T-C. GRCh37 (hg19) VCF-style: chr12-102158038-T-C.
Other names: p.Asp886Gly; short protein forms D886G.
Identifiers: ClinVar variation 3380120 (VCV003380120.1).